The following is an entry in ClinVar:

NM_000094.4(COL7A1):c.8610G>C (p.Trp2870Cys)

Gene: COL7A1 (collagen type VII alpha 1 chain; minus strand). Cytogenetic location: 3p21.31.
Variant type: single nucleotide variant.
Coding change: c.8610G>C on transcript NM_000094.4 (MANE Select); coding-DNA position 8610, G replaced by C.
Protein change: p.Trp2870Cys; replaces tryptophan 2870 with cysteine.
Molecular consequence: missense variant.
Genome position (GRCh38, 1-based): chr3:48,565,119, C>G on the plus strand (G>C on the coding strand, the complement: COL7A1 is on the minus strand). VCF-style: chr3-48565119-C-G. GRCh37 (hg19) VCF-style: chr3-48602552-C-G.
Other names: short protein forms W2870C.
Identifiers: ClinVar variation 1718714 (VCV001718714.3), dbSNP rs771747896, ClinGen allele CA2377931.

ClinVar aggregate classification (germline): Uncertain significance (1 of 4 stars; one submission).

Allele frequency attached by ClinVar (database versions not stated): gnomAD exomes below 0.00001; ExAC 0.00001.
gnomAD v4.1: 1 of 1,614,004 alleles (0.000062%); highest among the groups gnomAD compares: Non-Finnish European, 0.000085%; no homozygotes.

Submission:

Labcorp Genetics (formerly Invitae), Labcorp
Classification: Uncertain significance. Last evaluated: 2022-09-02. Review status: criteria provided, single submitter. Criteria: Invitae Variant Classification Sherloc (09022015). Collection method: clinical testing. Allele origin: germline.
Comment: This sequence change replaces tryptophan, which is neutral and slightly polar, with cysteine, which is neutral and slightly polar, at codon 2870 of the COL7A1 protein (p.Trp2870Cys). The frequency data for this variant in the population databases is considered unreliable, as metrics indicate poor data quality at this position in the gnomAD database. This variant has not been reported in the literature in individuals affected with COL7A1-related conditions. Algorithms developed to predict the effect of missense changes on protein structure and function are either unavailable or do not agree on the potential impact of this missense change (SIFT: "Deleterious"; PolyPhen-2: "Possibly Damaging"; Align-GVGD: "Class C0"). In summary, the available evidence is currently insufficient to determine the role of this variant in disease. Therefore, it has been classified as a Variant of Uncertain Significance.